The following is an entry in ClinVar:

ClinVar aggregate classification (germline): Benign/Likely benign. Review status: criteria provided, multiple submitters, no conflicts (2 of 4 stars). 4 submissions from 4 submitters: Benign (1); Likely benign (3). Last evaluated 2025-08-02.

Conditions:
Inborn genetic diseases. Identifiers: MedGen C0950123, MeSH D030342.
KBG syndrome (KBGS). Also called: ANKRD11-Related KBG Syndrome. Identifiers: Orphanet 2332, MedGen C0220687, MONDO:0007846, OMIM 148050.

Allele frequency attached by ClinVar (database versions not stated): TOPMed 0.00003; gnomAD 0.00004; gnomAD exomes 0.00004 and 0.00005; ExAC 0.00008.
gnomAD v4.1: 66 of 1,613,980 alleles (0.0041%); highest among the groups gnomAD compares: Middle Eastern, 0.016%; 1 homozygote.

Submissions (4):

Labcorp Genetics (formerly Invitae), Labcorp
Classification: Benign for KBG syndrome. Last evaluated: 2025-08-02. Review status: criteria provided, single submitter. Criteria: Invitae Variant Classification Sherloc (09022015). Collection method: clinical testing. Allele origin: germline.

Blueprint Genetics
Classification: Likely benign. Last evaluated: 2024-07-03. Review status: criteria provided, single submitter. Criteria: ACMG Guidelines, 2015. Collection method: clinical testing. Allele origin: germline.

CeGaT Center for Human Genetics Tuebingen
Classification: Likely benign. Last evaluated: 2024-01-01. Review status: criteria provided, single submitter. Criteria: CeGaT Center For Human Genetics Tuebingen Variant Classification Criteria Version 2. Collection method: clinical testing. Allele origin: germline. Affected: yes. Observed: 2 variant alleles.
Comment: ANKRD11: BP4, BP7

Ambry Genetics
Classification: Likely benign for Inborn genetic diseases. Last evaluated: 2018-01-18. Review status: criteria provided, single submitter. Criteria: Ambry Variant Classification Scheme 2023. Collection method: clinical testing. Allele origin: germline.

NM_013275.6(ANKRD11):c.651G>A (p.Ala217=)

Gene: ANKRD11 (ankyrin repeat domain 11; minus strand). Cytogenetic location: 16q24.3.
Variant type: single nucleotide variant.
Coding change: c.651G>A on transcript NM_013275.6 (MANE Select); coding-DNA position 651, G replaced by A.
Protein change: p.Ala217=; no amino-acid change (alanine 217 retained).
Molecular consequence: synonymous variant. On other transcripts: non-coding transcript variant (1).
Genome position (GRCh38, 1-based): chr16:89,288,621, C>T on the plus strand (G>A on the coding strand, the complement: ANKRD11 is on the minus strand). VCF-style: chr16-89288621-C-T. GRCh37 (hg19) VCF-style: chr16-89355029-C-T.
Other names: c.651G>A, p.Ala217= (NM_001256182.2, NM_001256183.2).
Identifiers: ClinVar variation 1335234 (VCV001335234.42), dbSNP rs768461388, ClinGen allele CA8243015.